The following is an entry in ClinVar:

NM_004614.5(TK2):c.397G>C (p.Glu133Gln)

Gene: TK2 (thymidine kinase 2; minus strand). Cytogenetic location: 16q21.
Variant type: single nucleotide variant.
Coding change: c.397G>C on transcript NM_004614.5 (MANE Select); coding-DNA position 397, G replaced by C.
Protein change: p.Glu133Gln; replaces glutamic acid 133 with glutamine.
Molecular consequence: missense variant. On other transcripts: non-coding transcript variant (1).
Genome position (GRCh38, 1-based): chr16:66,529,046, C>G on the plus strand (G>C on the coding strand, the complement: TK2 is on the minus strand). VCF-style: chr16-66529046-C-G. GRCh37 (hg19) VCF-style: chr16-66562949-C-G.
Other names: c.322G>C, p.Glu108Gln (NM_001172644.2); c.343G>C, p.Glu115Gln (NM_001172645.2); c.250G>C, p.Glu84Gln (NM_001271934.2); c.304G>C, p.Glu102Gln (NM_001271935.1, NM_001172643.1); c.106G>C, p.Glu36Gln (NM_001272050.2); short protein forms E102Q, E108Q, E115Q, E133Q, E36Q, E84Q.
Identifiers: ClinVar variation 3778842 (VCV003778842.2).

ClinVar aggregate classification (germline): Likely pathogenic (1 of 4 stars; one submission).

Conditions:
Mitochondrial disease. Also called: Mitochondrial disorders; Mitochondrial disorder. Identifiers: Orphanet 68380, MedGen C0751651, MeSH D028361, MONDO:0044970.

Submission:

Genomenon, Inc
Classification: Likely pathogenic for Mitochondrial disease. Last evaluated: 2025-11-24. Review status: criteria provided, single submitter. Criteria: Genomenon Sequence Variant Interpretation Standards - Updated. Collection method: curation. Allele origin: germline. Affected: no.
Comment: TK2 p.Glu133Gln (c.397G>C) is a missense variant that changes the amino acid at residue 133 from Glutamic acid to Glutamine. This variant has been reported in the published literature (34758700). TK2 p.Glu133Gln is located in a mutational hotspot and/or important functional domain. This variant is not present at a significant frequency in gnomAD and in silico models agree that this variant is possibly or probably damaging. In conclusion, we classify TK2 p.Glu133Gln (c.397G>C) as a likely pathogenic variant.

Literature cited by the submitters: PubMed 34758700.